The following continues an entry in ClinVar:

NM_000038.6(APC):c.4360A>G (p.Lys1454Glu)

Gene: APC. ClinVar aggregate classification (germline): Conflicting classifications of pathogenicity. Uncertain significance (1); Benign (13); Likely benign (5).

Submission 21 of 21:

Department of Pathology and Laboratory Medicine, Sinai Health System
Classification: Likely benign for Familial colorectal cancer. Review status: no assertion criteria provided. Collection method: clinical testing. Allele origin: unknown. Affected: yes. Study: The Canadian Open Genetics Repository (COGR). Not counted in ClinVar's aggregate classification.
Comment: The APC p.Lys1454Glu variant was identified in the literature however the frequency of this variant in an affected population was not provided. The variant was identified in ClinVar (Conflicting interpretations of pathogencitiy. Benign(6);Likely benign(4);Uncertain significance(1) ) and Cosmic (Reported x5 Confirmed somatic, identified in tumor tissue from urinary tract (x3), prostate, and haematopoetic and lymphoid tissue) databases. The variant was identified in control databases in 228 of 282622 chromosomes at a frequency of 0.0008067 increasing the likelihood this could be a low frequency benign variant (Genome Aggregation Database March 6, 2019, v2.1.1). The variant was observed in the following populations: African in 206 of 24960 chromosomes (freq: 0.008253), Latino in 16 of 35416 chromosomes (freq: 0.000452), Other in 3 of 7214 chromosomes (freq: 0.000416), European (Finnish) in 1 of 25120 chromosomes (freq: 0.00004), European (non-Finnish) in 2 of 128990 chromosomes (freq: 0.000016), but was not observed in the Ashkenazi Jewish, East Asian, or South Asian populations. The p.Lys1454 residue is conserved in mammals but not in more distantly related organisms, however four out of five computational analyses (PolyPhen-2, SIFT, AlignGVGD, BLOSUM, MutationTaster) do not suggest a high likelihood of impact to the protein; this information is not predictive enough to rule out pathogenicity. The variant occurs outside of the splicing consensus sequence and in silico or computational prediction software programs (SpliceSiteFinder, MaxEntScan, NNSPLICE, GeneSplicer) do not predict a difference in splicing. One functional study found that the p.Lys1454Glu variant suppresses beta-catenin mediated transcription at a level similar to wild-type APC in a cell culture assay, and is therefore predicted to have no effect on APC protein function (Azzopardi_2008_PMID:18199528). In summary, based on the above information the clinical significance of this variant cannot be determined with certainty at this time although we would lean towards a more benign role for this variant. This variant is classified as likely benign.

Literature cited by the submitters: PubMed 36315513 (cited by Quest Diagnostics Nichols Institute San Juan Capistrano); PubMed 18199528 (cited by Quest Diagnostics Nichols Institute San Juan Capistrano and Women's Health and Genetics/Laboratory Corporation of America, LabCorp); PubMed 25637381 (cited by Quest Diagnostics Nichols Institute San Juan Capistrano); PubMed 22995991 (cited by Quest Diagnostics Nichols Institute San Juan Capistrano and Women's Health and Genetics/Laboratory Corporation of America, LabCorp); PubMed 24055113 (cited by Quest Diagnostics Nichols Institute San Juan Capistrano and Women's Health and Genetics/Laboratory Corporation of America, LabCorp); PubMed 21859464 (cited by Quest Diagnostics Nichols Institute San Juan Capistrano and Women's Health and Genetics/Laboratory Corporation of America, LabCorp); PubMed 26332594 (cited by Quest Diagnostics Nichols Institute San Juan Capistrano); PubMed 11904335 (cited by Women's Health and Genetics/Laboratory Corporation of America, LabCorp); PubMed 23970361 (cited by Women's Health and Genetics/Laboratory Corporation of America, LabCorp); PubMed 25178641 (cited by Women's Health and Genetics/Laboratory Corporation of America, LabCorp); PubMed 18844223 (cited by Women's Health and Genetics/Laboratory Corporation of America, LabCorp); PubMed 22722839 (cited by Women's Health and Genetics/Laboratory Corporation of America, LabCorp); PubMed 23292937 (cited by Women's Health and Genetics/Laboratory Corporation of America, LabCorp).